The following is an entry in ClinVar:

NM_032043.3(BRIP1):c.134A>G (p.Glu45Gly)

Gene: BRIP1 (BRCA1 interacting DNA helicase 1; minus strand). Cytogenetic location: 17q23.2.
Variant type: single nucleotide variant.
Coding change: c.134A>G on transcript NM_032043.3 (MANE Select); coding-DNA position 134, A replaced by G.
Protein change: p.Glu45Gly; replaces glutamic acid 45 with glycine.
Molecular consequence: missense variant.
Genome position (GRCh38, 1-based): chr17:61,859,867, T>C on the plus strand (A>G on the coding strand, the complement: BRIP1 is on the minus strand). VCF-style: chr17-61859867-T-C. GRCh37 (hg19) VCF-style: chr17-59937228-T-C.
Other names: short protein forms E45G.
Identifiers: ClinVar variation 1004146 (VCV001004146.7), dbSNP rs2078950725, ClinGen allele CA400485796.

ClinVar aggregate classification (germline): Uncertain significance (1 of 4 stars; one submission).

Conditions:
Familial cancer of breast. Also called: hereditary breast carcinoma; BREAST CANCER, FAMILIAL; Hereditary breast cancer. Identifiers: Orphanet 227535, MedGen C0346153, MONDO:0016419, OMIM 114480. Disease mechanism: loss of function.
Fanconi anemia complementation group J. Also called: BRIP1-Related Fanconi Anemia. Identifiers: Orphanet 84, MedGen C1836860, MONDO:0012187, OMIM 609054.

Allele frequency attached by ClinVar (database versions not stated): gnomAD 0.00001.

Submission:

Labcorp Genetics (formerly Invitae), Labcorp
Classification: Uncertain significance for Familial cancer of breast; Fanconi anemia complementation group J. Last evaluated: 2023-05-08. Review status: criteria provided, single submitter. Criteria: Invitae Variant Classification Sherloc (09022015). Collection method: clinical testing. Allele origin: germline.
Comment: In summary, the available evidence is currently insufficient to determine the role of this variant in disease. Therefore, it has been classified as a Variant of Uncertain Significance. Advanced modeling of protein sequence and biophysical properties (such as structural, functional, and spatial information, amino acid conservation, physicochemical variation, residue mobility, and thermodynamic stability) performed at Invitae indicates that this missense variant is expected to disrupt BRIP1 protein function. ClinVar contains an entry for this variant (Variation ID: 1004146). This variant has not been reported in the literature in individuals affected with BRIP1-related conditions. This variant is not present in population databases (gnomAD no frequency). This sequence change replaces glutamic acid, which is acidic and polar, with glycine, which is neutral and non-polar, at codon 45 of the BRIP1 protein (p.Glu45Gly).